The following is an entry in ClinVar:

ClinVar aggregate classification (germline): Uncertain significance (1 of 4 stars; one submission).

Submission:

Labcorp Genetics (formerly Invitae), Labcorp
Classification: Uncertain significance. Last evaluated: 2023-11-27. Review status: criteria provided, single submitter. Criteria: Invitae Variant Classification Sherloc (09022015). Collection method: clinical testing. Allele origin: germline.
Comment: This sequence change falls in intron 4 of the LZTFL1 gene. It does not directly change the encoded amino acid sequence of the LZTFL1 protein. It affects a nucleotide within the consensus splice site. This variant is not present in population databases (gnomAD no frequency). This variant has not been reported in the literature in individuals affected with LZTFL1-related conditions. ClinVar contains an entry for this variant (Variation ID: 1403291). Variants that disrupt the consensus splice site are a relatively common cause of aberrant splicing (PMID: 17576681, 9536098). Algorithms developed to predict the effect of sequence changes on RNA splicing suggest that this variant is not likely to affect RNA splicing. In summary, the available evidence is currently insufficient to determine the role of this variant in disease. Therefore, it has been classified as a Variant of Uncertain Significance.

Literature cited by the submitters: PubMed 17576681; PubMed 9536098.

NM_020347.4(LZTFL1):c.384+5_384+6insCC

Gene: LZTFL1 (leucine zipper transcription factor like 1; minus strand). Cytogenetic location: 3p21.31.
Variant type: Insertion.
Coding change: c.384+5_384+6insCC on transcript NM_020347.4 (MANE Select); bases 5 to 6 of the intron after coding-DNA position 384, CC inserted.
Molecular consequence: intron variant.
Genome position: GRCh38 VCF-style: chr3-45834232-A-AGG. GRCh37 (hg19) VCF-style: chr3-45875724-A-AGG.
Other names: c.372+5_372+6insCC (NM_001276379.2); c.333+5_333+6insCC (NM_001276378.2, NM_001386451.1); c.384+5_384+6insCC (NM_001386452.1).
Identifiers: ClinVar variation 1403291 (VCV001403291.6), dbSNP rs1219023853, ClinGen allele CA907503985.